The following is an entry in ClinVar:

NC_012920.1(MT-ATP6):m.9007A>T

Gene: MT-ATP6 (mitochondrially encoded ATP synthase 6; plus strand).
Variant type: single nucleotide variant.
Genome position: chrM-9007-A-T.
Identifiers: ClinVar variation 693052 (VCV000693052.1), dbSNP rs1603221973, ClinGen allele CA414801836.

ClinVar aggregate classification (germline): Likely benign (1 of 4 stars; one submission).

Conditions:
Leigh syndrome (NULS). Also called: Leigh's necrotizing encephalopathy; Leigh's disease; Leigh Syndrome (mtDNA deletion); Leigh Disease; Subacute necrotizing encephalopathy; Necrotizing encephalopathy infantile subacute of Leigh. Identifiers: Orphanet 506, MedGen C2931891, MONDO:0009723, OMIM 256000.

Submission:

Wong Mito Lab, Molecular and Human Genetics, Baylor College of Medicine
Classification: Likely benign for Leigh syndrome. Last evaluated: 2019-10-17. Review status: criteria provided, single submitter. Criteria: Modified ACMG Guidelines (Unpublished). Collection method: clinical testing. Allele origin: germline.
Comment: The NC_012920.1:m.9007A>T (YP_003024031.1:p.Thr161Ser) variant in MTATP6 gene is interpretated to be a Likely Benign variant based on the modified ACMG guidelines (unpublished). This variant meets the following evidence codes: BS1, BP6